The following is an entry in ClinVar:

ClinVar aggregate classification (germline): Uncertain significance. Review status: criteria provided, multiple submitters, no conflicts (2 of 4 stars). 3 submissions from 3 submitters: Uncertain significance (3). Last evaluated 2025-04-04.

Conditions:
Primary ciliary dyskinesia 15. Also called: CILIARY DYSKINESIA, PRIMARY, 15, WITH OR WITHOUT SITUS INVERSUS. Identifiers: Orphanet 244, MedGen C3151137, MONDO:0013435, OMIM 613808.
Primary ciliary dyskinesia. Also called: Ciliary dyskinesia. Identifiers: Orphanet 244, MedGen C0008780, MONDO:0016575, HP:0012265.

Allele frequency attached by ClinVar (database versions not stated): TOPMed 0.00005.
gnomAD v4.1: 63 of 1,612,788 alleles (0.0039%); highest among the groups gnomAD compares: Admixed American, 0.0083%; 1 homozygote.

Submissions (3):

Ambry Genetics
Classification: Uncertain significance for Primary ciliary dyskinesia. Last evaluated: 2025-04-04. Review status: criteria provided, single submitter. Criteria: Ambry Variant Classification Scheme 2023. Collection method: clinical testing. Allele origin: germline.

Fulgent Genetics
Classification: Uncertain significance for Primary ciliary dyskinesia 15. Last evaluated: 2022-03-19. Review status: criteria provided, single submitter. Criteria: ACMG Guidelines, 2015. Collection method: clinical testing. Allele origin: unknown.

Labcorp Genetics (formerly Invitae), Labcorp
Classification: Uncertain significance for Primary ciliary dyskinesia. Last evaluated: 2022-03-18. Review status: criteria provided, single submitter. Criteria: Invitae Variant Classification Sherloc (09022015). Collection method: clinical testing. Allele origin: germline.
Comment: This sequence change replaces aspartic acid, which is acidic and polar, with glutamic acid, which is acidic and polar, at codon 510 of the CCDC40 protein (p.Asp510Glu). This variant is present in population databases (rs368929374, gnomAD 0.005%). This variant has not been reported in the literature in individuals affected with CCDC40-related conditions. ClinVar contains an entry for this variant (Variation ID: 655647). Algorithms developed to predict the effect of missense changes on protein structure and function are either unavailable or do not agree on the potential impact of this missense change (SIFT: "Tolerated"; PolyPhen-2: "Probably Damaging"; Align-GVGD: "Class C0"). In summary, the available evidence is currently insufficient to determine the role of this variant in disease. Therefore, it has been classified as a Variant of Uncertain Significance.

NM_017950.4(CCDC40):c.1530C>G (p.Asp510Glu)

Gene: CCDC40 (coiled-coil domain 40 molecular ruler complex subunit; plus strand). Cytogenetic location: 17q25.3.
Variant type: single nucleotide variant.
Coding change: c.1530C>G on transcript NM_017950.4 (MANE Select); coding-DNA position 1530, C replaced by G.
Protein change: p.Asp510Glu; replaces aspartic acid 510 with glutamic acid.
Molecular consequence: missense variant.
Genome position (GRCh38, 1-based): chr17:80,065,574, C>G. VCF-style: chr17-80065574-C-G. GRCh37 (hg19) VCF-style: chr17-78039373-C-G.
Other names: c.1530C>G, p.Asp510Glu (NM_001243342.2, NM_001330508.2); short protein forms D510E.
Identifiers: ClinVar variation 655647 (VCV000655647.8), dbSNP rs368929374, ClinGen allele CA8813876.